The following is an entry in ClinVar:

ClinVar aggregate classification (germline): Benign/Likely benign. Review status: criteria provided, multiple submitters, no conflicts (2 of 4 stars). 3 submissions from 3 submitters: Benign (1); Likely benign (2). Last evaluated 2026-01-28.

Conditions:
Charcot-Marie-Tooth disease. Also called: Charcot-Marie-Tooth Neuropathy; Charcot-Marie-Tooth Hereditary Neuropathy. Identifiers: Orphanet 166, MedGen C0007959, MONDO:0015626.
Charcot-Marie-Tooth disease axonal type 2S. Also called: CHARCOT-MARIE-TOOTH NEUROPATHY, TYPE 2S; CHARCOT-MARIE-TOOTH DISEASE, AXONAL, AUTOSOMAL RECESSIVE, TYPE 2S. Identifiers: Orphanet 443073, MedGen C4015349, MONDO:0014511, OMIM 616155.
Autosomal recessive distal spinal muscular atrophy 1. Also called: NEURONOPATHY, DISTAL HEREDITARY MOTOR, HARDING TYPE VI; NEUROPATHY, DISTAL HEREDITARY MOTOR, AUTOSOMAL RECESSIVE 1; Spinal muscular atrophy with respiratory distress 1; NEURONOPATHY, SEVERE INFANTILE AXONAL, WITH RESPIRATORY FAILURE; SEVERE INFANTILE AXONAL NEUROPATHY WITH RESPIRATORY FAILURE; SPINAL MUSCULAR ATROPHY, DIAPHRAGMATIC. Identifiers: Orphanet 98920, MedGen C1858517, MONDO:0011436, OMIM 604320.

Allele frequency attached by ClinVar (database versions not stated): TOPMed 0.00006; ESP Exome Variant Server 0.00008; gnomAD 0.00008 and 0.00029; gnomAD exomes 0.00049 and 0.00115; ExAC 0.00125; 1000 Genomes Project 30x 0.00203; 1000 Genomes Project 0.00260.
gnomAD v4.1: 771 of 1,612,338 alleles (0.048%); highest among the groups gnomAD compares: South Asian, 0.75%; 8 homozygotes.

Submissions (3):

Labcorp Genetics (formerly Invitae), Labcorp
Classification: Benign for Autosomal recessive distal spinal muscular atrophy 1; Charcot-Marie-Tooth disease axonal type 2S. Last evaluated: 2026-01-28. Review status: criteria provided, single submitter. Criteria: Invitae Variant Classification Sherloc (09022015). Collection method: clinical testing. Allele origin: germline.

GeneDx
Classification: Likely benign. Last evaluated: 2017-12-13. Review status: criteria provided, single submitter. Criteria: GeneDx Variant Classification (06012015). Collection method: clinical testing. Allele origin: germline. Affected: yes.
Comment: This variant is considered likely benign or benign based on one or more of the following criteria: it is a conservative change, it occurs at a poorly conserved position in the protein, it is predicted to be benign by multiple in silico algorithms, and/or has population frequency not consistent with disease.

Molecular Genetics Laboratory, London Health Sciences Centre
Classification: Likely benign for Charcot-Marie-Tooth disease. Review status: criteria provided, single submitter. Criteria: ACMG Guidelines, 2015. Collection method: clinical testing. Allele origin: germline. Affected: yes.

NM_002180.3(IGHMBP2):c.548-20C>T

Gene: IGHMBP2 (immunoglobulin mu DNA binding protein 2; plus strand). Cytogenetic location: 11q13.3.
Variant type: single nucleotide variant.
Coding change: c.548-20C>T on transcript NM_002180.3 (MANE Select); 20 bases into the intron before coding-DNA position 548, C replaced by T.
Molecular consequence: intron variant.
Genome position (GRCh38, 1-based): chr11:68,911,420, C>T. VCF-style: chr11-68911420-C-T. GRCh37 (hg19) VCF-style: chr11-68678888-C-T.
Identifiers: ClinVar variation 382642 (VCV000382642.12), dbSNP rs368802434, ClinGen allele CA6153323.
Genomic context (GRCh38, chr11:68,911,420, plus strand): 5'-CGGGGCACACACTCTCTGAGGAGGAACACCCACAGAGCTCCCCAGAGCACCTGAGCCTCA[C>T]GCTGCTGCTTCTTCCACAGACCCGCTGACATTCTTCAACACCTGCCTGGACACCTCCCAG-3'